The following is an entry in ClinVar:

ClinVar aggregate classification (germline): Conflicting classifications of pathogenicity. Review status: criteria provided, conflicting classifications (1 of 4 stars). 2 submissions from 2 submitters: Uncertain significance (1); Likely benign (1). Last evaluated 2025-11-01.

Conditions:
Inborn genetic diseases. Identifiers: MedGen C0950123, MeSH D030342.

gnomAD v4.1: 1,159 of 1,542,120 alleles (0.075%); highest among the groups gnomAD compares: African/African-American, 0.91%; 6 homozygotes.

Submissions (2):

CeGaT Center for Human Genetics Tuebingen
Classification: Likely benign. Last evaluated: 2025-11-01. Review status: criteria provided, single submitter. Criteria: CeGaT Center For Human Genetics Tuebingen Variant Classification Criteria Version 2. Collection method: clinical testing. Allele origin: germline. Affected: yes. Observed: 1 variant allele.
Comment: EMILIN1: BS1

Ambry Genetics
Classification: Uncertain significance for Inborn genetic diseases. Last evaluated: 2024-03-18. Review status: criteria provided, single submitter. Criteria: Ambry Variant Classification Scheme 2023. Collection method: clinical testing. Allele origin: germline.

NM_007046.4(EMILIN1):c.1171G>T (p.Ala391Ser)

Gene: EMILIN1 (elastin microfibril interfacer 1; plus strand). Cytogenetic location: 2p23.3.
Variant type: single nucleotide variant.
Coding change: c.1171G>T on transcript NM_007046.4 (MANE Select); coding-DNA position 1171, G replaced by T.
Protein change: p.Ala391Ser; replaces alanine 391 with serine.
Molecular consequence: missense variant.
Genome position (GRCh38, 1-based): chr2:27,082,742, G>T. VCF-style: chr2-27082742-G-T. GRCh37 (hg19) VCF-style: chr2-27305610-G-T.
Other names: short protein forms A391S.
Identifiers: ClinVar variation 3275284 (VCV003275284.7).